The following is an entry in ClinVar:

NM_006922.4(SCN3A):c.4213G>A (p.Ala1405Thr)

Gene: SCN3A (sodium voltage-gated channel alpha subunit 3; minus strand). Cytogenetic location: 2q24.3.
Variant type: single nucleotide variant.
Coding change: c.4213G>A on transcript NM_006922.4 (MANE Select); coding-DNA position 4213, G replaced by A.
Protein change: p.Ala1405Thr; replaces alanine 1405 with threonine.
Molecular consequence: missense variant.
Genome position (GRCh38, 1-based): chr2:165,097,278, C>T on the plus strand (G>A on the coding strand, the complement: SCN3A is on the minus strand). VCF-style: chr2-165097278-C-T. GRCh37 (hg19) VCF-style: chr2-165953788-C-T.
Other names: c.4066G>A, p.Ala1356Thr (NM_001081676.2, NM_001081677.2); short protein forms A1356T, A1405T.
Identifiers: ClinVar variation 937274 (VCV000937274.12), dbSNP rs768382383, ClinGen allele CA1938631.

ClinVar aggregate classification (germline): Conflicting classifications of pathogenicity. Review status: criteria provided, conflicting classifications (1 of 4 stars). 3 submissions from 3 submitters: Uncertain significance (1); Likely benign (1). 1 of the submissions does not count toward it. Last evaluated 2025-07-23.

Conditions:
Inborn genetic diseases. Identifiers: MedGen C0950123, MeSH D030342.
SCN3A-related disorder. Also called: SCN3A-related condition.

Allele frequency attached by ClinVar (database versions not stated): gnomAD 0.00003; TOPMed 0.00003.
gnomAD v4.1: 25 of 1,613,876 alleles (0.0015%); highest among the groups gnomAD compares: East Asian, 0.0045%; no homozygotes.

Submissions (3):

Labcorp Genetics (formerly Invitae), Labcorp
Classification: Likely benign. Last evaluated: 2025-07-23. Review status: criteria provided, single submitter. Criteria: Invitae Variant Classification Sherloc (09022015). Collection method: clinical testing. Allele origin: germline.

Ambry Genetics
Classification: Uncertain significance for Inborn genetic diseases. Last evaluated: 2024-05-13. Review status: criteria provided, single submitter. Criteria: Ambry Variant Classification Scheme 2023. Collection method: clinical testing. Allele origin: germline.

PreventionGenetics, part of Exact Sciences
Classification: Likely benign for SCN3A-related condition. Last evaluated: 2024-02-20. Review status: no assertion criteria provided. Collection method: clinical testing. Allele origin: germline. Not counted in ClinVar's aggregate classification.
Comment: This variant is classified as likely benign based on ACMG/AMP sequence variant interpretation guidelines (Richards et al. 2015 PMID: 25741868, with internal and published modifications).